The following is an entry in ClinVar:

NM_006767.4(LZTR1):c.937T>A (p.Cys313Ser)

Gene: LZTR1 (leucine zipper like post translational regulator 1; plus strand). Cytogenetic location: 22q11.21.
Variant type: single nucleotide variant.
Coding change: c.937T>A on transcript NM_006767.4 (MANE Select); coding-DNA position 937, T replaced by A.
Protein change: p.Cys313Ser; replaces cysteine 313 with serine.
Molecular consequence: missense variant.
Genome position (GRCh38, 1-based): chr22:20,991,773, T>A. VCF-style: chr22-20991773-T-A. GRCh37 (hg19) VCF-style: chr22-21346062-T-A.
Other names: c.937T>A (NM_006767.3); short protein forms C313S.
Identifiers: ClinVar variation 2676384 (VCV002676384.2), dbSNP rs1265272984, ClinGen allele CA410781477.

ClinVar aggregate classification (germline): Uncertain significance. Review status: criteria provided, multiple submitters, no conflicts (2 of 4 stars). 2 submissions from 2 submitters: Uncertain significance (2). Last evaluated 2024-01-22.

Conditions:
Cardiovascular phenotype. Identifiers: MedGen CN230736.
Hereditary cancer-predisposing syndrome. Also called: Neoplastic Syndromes, Hereditary; Tumor predisposition; Hereditary Cancer Syndrome; Hereditary neoplastic syndrome. Identifiers: Orphanet 140162, MedGen C0027672, MeSH D009386, MONDO:0015356.
LZTR1-related schwannomatosis. Also called: Schwannomatosis 2; Schwannomatosis-2, susceptibility to. Identifiers: Orphanet 93921, MedGen C3810283, MONDO:0014299, OMIM 615670.

Allele frequency attached by ClinVar (database versions not stated): gnomAD exomes below 0.00001.
gnomAD v4.1: 1 of 1,555,130 alleles (0.000064%); highest among the groups gnomAD compares: Non-Finnish European, 0.000087%; no homozygotes.

Submissions (2):

Ambry Genetics
Classification: Uncertain significance for Cardiovascular phenotype; Hereditary cancer-predisposing syndrome. Last evaluated: 2024-01-22. Review status: criteria provided, single submitter. Criteria: Ambry Variant Classification Scheme 2023. Collection method: clinical testing. Allele origin: germline.
Comment: The p.C313S variant (also known as c.937T>A), located in coding exon 9 of the LZTR1 gene, results from a T to A substitution at nucleotide position 937. The cysteine at codon 313 is replaced by serine, an amino acid with dissimilar properties. This amino acid position is conserved. In addition, the in silico prediction for this alteration is inconclusive. Based on the available evidence, the clinical significance of this alteration remains unclear.

Baylor Genetics
Classification: Uncertain significance for LZTR1-related schwannomatosis. Last evaluated: 2023-10-13. Review status: criteria provided, single submitter. Criteria: ACMG Guidelines, 2015. Collection method: clinical testing. Allele origin: unknown.